The following is an entry in ClinVar:

NM_001080397.3(SLC45A1):c.-81C>T

Genes: SLC45A1 (solute carrier family 45 member 1; plus strand), LOC129929288 (ATAC-STARR-seq lymphoblastoid silent region 194; plus strand). Cytogenetic location: 1p36.23.
Variant type: single nucleotide variant.
Coding change: c.-81C>T on transcript NM_001080397.3 (MANE Select); 81 bases upstream of the start codon, C replaced by T.
Molecular consequence: 5 prime UTR variant.
Genome position (GRCh38, 1-based): chr1:8,318,130, C>T. VCF-style: chr1-8318130-C-T. GRCh37 (hg19) VCF-style: chr1-8378190-C-T.
Other names: c.-81C>T (NM_001379614.1, NM_001379615.1, NM_001379616.1); c.-173C>T (NM_001379617.1, NM_001379618.1).
Identifiers: ClinVar variation 3038590 (VCV003038590.4), dbSNP rs559861530, ClinGen allele CA569966.

ClinVar aggregate classification (germline): Uncertain significance. Review status: criteria provided, single submitter (1 of 4 stars). 2 submissions from 2 submitters: Uncertain significance (1). 1 of the submissions does not count toward it. Last evaluated 2026-02-18.

Conditions:
SLC45A1-related disorder. Also called: SLC45A1-related condition.

Allele frequency attached by ClinVar (database versions not stated): ExAC 0.00139; 1000 Genomes Project 0.00160; gnomAD 0.00195; TOPMed 0.00201; 1000 Genomes Project 30x 0.00219.
gnomAD v4.1: 372 of 468,160 alleles (0.079%); highest among the groups gnomAD compares: African/African-American, 0.65%; 3 homozygotes.

Submissions (2):

GeneDx
Classification: Uncertain significance. Last evaluated: 2026-02-18. Review status: criteria provided, single submitter. Criteria: GeneDx Variant Classification Process June 2021. Collection method: clinical testing. Allele origin: germline.
Comment: In silico analysis supports that this missense variant has a deleterious effect on protein structure/function; Has not been previously published as pathogenic or benign to our knowledge

PreventionGenetics, part of Exact Sciences
Classification: Likely benign for SLC45A1-related condition. Last evaluated: 2019-05-21. Review status: no assertion criteria provided. Collection method: clinical testing. Allele origin: germline. Not counted in ClinVar's aggregate classification.
Comment: This variant is classified as likely benign based on ACMG/AMP sequence variant interpretation guidelines (Richards et al. 2015 PMID: 25741868, with internal and published modifications).